The following is an entry in ClinVar:

NM_002661.5(PLCG2):c.2485A>G (p.Thr829Ala)

Gene: PLCG2 (phospholipase C gamma 2; plus strand). Cytogenetic location: 16q23.3.
Variant type: single nucleotide variant.
Coding change: c.2485A>G on transcript NM_002661.5 (MANE Select); coding-DNA position 2485, A replaced by G.
Protein change: p.Thr829Ala; replaces threonine 829 with alanine.
Molecular consequence: missense variant.
Genome position (GRCh38, 1-based): chr16:81,927,149, A>G. VCF-style: chr16-81927149-A-G. GRCh37 (hg19) VCF-style: chr16-81960754-A-G.
Other names: short protein forms T829A.
Identifiers: ClinVar variation 656756 (VCV000656756.8), dbSNP rs764926974, ClinGen allele CA285177370.
Genomic context (GRCh38, chr16:81,927,149, plus strand): 5'-GGAGACTATGGAACCAGGATCCAGCAGTACTTCCCATCCAACTACGTCGAGGACATCTCA[A>G]CTGCAGACTTCGAGGAGCTAGAAAAGCAGGTGAGTCCCCCTCTTCGATCCTCTTACAGGA-3'
Protein context (NP_002652.2, residues 819-839): FPSNYVEDIS[Thr829Ala]ADFEELEKQI

ClinVar aggregate classification (germline): Uncertain significance (1 of 4 stars; one submission).

Conditions:
Familial cold autoinflammatory syndrome 3 (FCAS3). Also called: FAMILIAL ATYPICAL COLD URTICARIA; ANTIBODY DEFICIENCY AND IMMUNE DYSREGULATION, PLCG2-ASSOCIATED. Identifiers: Orphanet 300359, MedGen C3280914, MONDO:0013766, OMIM 614468.

Allele frequency attached by ClinVar (database versions not stated): gnomAD exomes below 0.00001.
gnomAD v4.1: 2 of 1,613,236 alleles (0.00012%); highest among the groups gnomAD compares: Non-Finnish European, 0.00017%; no homozygotes.

Submission:

Labcorp Genetics (formerly Invitae), Labcorp
Classification: Uncertain significance for Familial cold autoinflammatory syndrome 3. Last evaluated: 2021-08-12. Review status: criteria provided, single submitter. Criteria: Invitae Variant Classification Sherloc (09022015). Collection method: clinical testing. Allele origin: germline.
Comment: In summary, the available evidence is currently insufficient to determine the role of this variant in disease. Therefore, it has been classified as a Variant of Uncertain Significance. Algorithms developed to predict the effect of missense changes on protein structure and function output the following: SIFT: "Tolerated"; PolyPhen-2: "Benign"; Align-GVGD: "Class C0". The alanine amino acid residue is found in multiple mammalian species, suggesting that this missense change does not adversely affect protein function. These predictions have not been confirmed by published functional studies and their clinical significance is uncertain. This variant has not been reported in the literature in individuals with PLCG2-related disease. This variant is not present in population databases (ExAC no frequency). This sequence change replaces threonine with alanine at codon 829 of the PLCG2 protein (p.Thr829Ala). The threonine residue is weakly conserved and there is a small physicochemical difference between threonine and alanine.